The following is an entry in ClinVar:

NM_000318.3(PEX2):c.151C>T (p.Arg51Cys)

Gene: PEX2 (peroxisomal biogenesis factor 2; minus strand). Cytogenetic location: 8q21.13.
Variant type: single nucleotide variant.
Coding change: c.151C>T on transcript NM_000318.3 (MANE Select); coding-DNA position 151, C replaced by T.
Protein change: p.Arg51Cys; replaces arginine 51 with cysteine.
Molecular consequence: missense variant.
Genome position (GRCh38, 1-based): chr8:76,984,028, G>A on the plus strand (C>T on the coding strand, the complement: PEX2 is on the minus strand). VCF-style: chr8-76984028-G-A. GRCh37 (hg19) VCF-style: chr8-77896264-G-A.
Other names: c.151C>T, p.Arg51Cys (NM_001079867.2, NM_001172086.2, NM_001172087.2); short protein forms R51C.
Identifiers: ClinVar variation 908441 (VCV000908441.7), dbSNP rs147209403, ClinGen allele CA4788763.

ClinVar aggregate classification (germline): Uncertain significance. Review status: criteria provided, multiple submitters, no conflicts (2 of 4 stars). 3 submissions from 3 submitters: Uncertain significance (3). Last evaluated 2023-06-30.

Conditions:
Peroxisome biogenesis disorder 5A (Zellweger) (PBD5A). Identifiers: Orphanet 912, MedGen C3553940, MONDO:0013932, OMIM 614866.
Inborn genetic diseases. Identifiers: MedGen C0950123, MeSH D030342.

Allele frequency attached by ClinVar (database versions not stated): TOPMed 0.00002; ExAC 0.00003; gnomAD 0.00003; gnomAD exomes 0.00003; ESP Exome Variant Server 0.00008.
gnomAD v4.1: 126 of 1,613,346 alleles (0.0078%); highest among the groups gnomAD compares: Middle Eastern, 0.082%; no homozygotes.

Submissions (3):

Ambry Genetics
Classification: Uncertain significance for Inborn genetic diseases. Last evaluated: 2023-06-30. Review status: criteria provided, single submitter. Criteria: Ambry Variant Classification Scheme 2023. Collection method: clinical testing. Allele origin: germline.

Labcorp Genetics (formerly Invitae), Labcorp
Classification: Uncertain significance for Peroxisome biogenesis disorder 5A (Zellweger). Last evaluated: 2022-08-19. Review status: criteria provided, single submitter. Criteria: Invitae Variant Classification Sherloc (09022015). Collection method: clinical testing. Allele origin: germline.
Comment: This sequence change replaces arginine, which is basic and polar, with cysteine, which is neutral and slightly polar, at codon 51 of the PEX2 protein (p.Arg51Cys). This variant is present in population databases (rs147209403, gnomAD 0.003%). This variant has not been reported in the literature in individuals affected with PEX2-related conditions. ClinVar contains an entry for this variant (Variation ID: 908441). Algorithms developed to predict the effect of missense changes on protein structure and function output the following: SIFT: "Deleterious"; PolyPhen-2: "Benign"; Align-GVGD: "Class C25". The cysteine amino acid residue is found in multiple mammalian species, which suggests that this missense change does not adversely affect protein function. In summary, the available evidence is currently insufficient to determine the role of this variant in disease. Therefore, it has been classified as a Variant of Uncertain Significance.

Illumina Laboratory Services, Illumina
Classification: Uncertain significance for Peroxisome biogenesis disorder 5A (Zellweger). Last evaluated: 2018-01-13. Review status: criteria provided, single submitter. Criteria: ICSL Variant Classification Criteria 13 December 2019. Collection method: clinical testing. Allele origin: germline.